The following is an entry in ClinVar:

ClinVar aggregate classification (germline): Likely benign (0 of 4 stars; one submission).

Conditions:
COG4-related disorder. Also called: COG4-related condition.

Submission:

PreventionGenetics, part of Exact Sciences
Classification: Likely benign for COG4-related condition. Last evaluated: 2019-11-18. Review status: no assertion criteria provided. Collection method: clinical testing. Allele origin: germline.
Comment: This variant is classified as likely benign based on ACMG/AMP sequence variant interpretation guidelines (Richards et al. 2015 PMID: 25741868, with internal and published modifications).

NM_015386.3(COG4):c.545-4G>A

Gene: COG4 (component of oligomeric golgi complex 4; minus strand). Cytogenetic location: 16q22.1.
Variant type: single nucleotide variant.
Coding change: c.545-4G>A on transcript NM_015386.3 (MANE Select); 4 bases into the intron before coding-DNA position 545, G replaced by A.
Molecular consequence: intron variant.
Genome position (GRCh38, 1-based): chr16:70,512,436, C>T on the plus strand (G>A on the coding strand, the complement: COG4 is on the minus strand). VCF-style: chr16-70512436-C-T. GRCh37 (hg19) VCF-style: chr16-70546339-C-T.
Other names: c.533-4G>A (NM_001195139.2); c.119-4G>A (NM_001365426.1).
Identifiers: ClinVar variation 3053524 (VCV003053524.2), dbSNP rs2507537434, ClinGen allele CA2576047707.
Genomic context (GRCh38, chr16:70,512,436, plus strand): 5'-CTTTGAGACGTTGCTCAGCTTCCTGCAGCAATTTCAGGTTGGCATCAATCATGCTCCCTG[C>T]TCAACAGGGAGAAAATGAAAATTCAAGTAAAGAATAGTACTGTGGCAGGTCCATGCCACT-3'